The following is an entry in ClinVar:

ClinVar aggregate classification (germline): Likely benign. Review status: criteria provided, single submitter (1 of 4 stars). 2 submissions from 2 submitters: Likely benign (1). 1 of the submissions does not count toward it. Last evaluated 2025-12-15.

Conditions:
AP3D1-related disorder. Also called: AP3D1-related condition.

Submissions (2):

Labcorp Genetics (formerly Invitae), Labcorp
Classification: Likely benign. Last evaluated: 2025-12-15. Review status: criteria provided, single submitter. Criteria: Invitae Variant Classification Sherloc (09022015). Collection method: clinical testing. Allele origin: germline.

PreventionGenetics, part of Exact Sciences
Classification: Likely benign for AP3D1-related condition. Last evaluated: 2023-02-14. Review status: no assertion criteria provided. Collection method: clinical testing. Allele origin: germline. Not counted in ClinVar's aggregate classification.
Comment: This variant is classified as likely benign based on ACMG/AMP sequence variant interpretation guidelines (Richards et al. 2015 PMID: 25741868, with internal and published modifications).

NM_001261826.3(AP3D1):c.2848AAG[2] (p.Lys952del)

Gene: AP3D1 (adaptor related protein complex 3 subunit delta 1; minus strand). Cytogenetic location: 19p13.3.
Variant type: Microsatellite.
Coding change: c.2848AAG[2] on transcript NM_001261826.3 (MANE Select); two copies in a row of the 3-base unit AAG starting at c.2848; the reference has three copies in a row; one copy, 3 bases deleted.
Protein change: p.Lys952del; deletes lysine 952.
Molecular consequence: inframe deletion.
Genome position (GRCh38, 1-based): chr19:2,111,760-2,111,762, CTT deleted on the plus strand (AAG on the coding strand, the reverse complement: AP3D1 is on the minus strand); deleting any 3 consecutive bases within chr19:2,111,760-2,111,768 gives the same sequence; the position shown is the placement nearest the transcript's 3' end. VCF-style (leftmost placement, unchanged base first): chr19-2111759-ACTT-A. GRCh37 (hg19) VCF-style: chr19-2111758-ACTT-A.
Other names: c.2854_2856delAAG (NM_001261826.1); c.2812AAG[2], p.Lys940del (NM_001374799.1); c.2662AAG[2], p.Lys890del (NM_003938.8); short protein forms K890del, K940del, K952del.
Identifiers: ClinVar variation 1106640 (VCV001106640.11), dbSNP rs763068481, ClinGen allele CA9058693.